The following is an entry in ClinVar:

ClinVar aggregate classification (germline): Conflicting classifications of pathogenicity. Review status: criteria provided, conflicting classifications (1 of 4 stars). 2 submissions from 2 submitters: Pathogenic (1); Uncertain significance (1). Last evaluated 2023-09-06.

Conditions:
Inborn genetic diseases. Identifiers: MedGen C0950123, MeSH D030342.

Submissions (2):

GeneDx
Classification: Pathogenic. Last evaluated: 2023-09-06. Review status: criteria provided, single submitter. Criteria: GeneDx Variant Classification Process June 2021. Collection method: clinical testing. Allele origin: germline. Affected: yes.
Comment: Not observed at significant frequency in large population cohorts (gnomAD); In silico analysis supports that this missense variant has a deleterious effect on protein structure/function; Has not been previously published as pathogenic or benign to our knowledge

Ambry Genetics
Classification: Uncertain significance for Inborn genetic diseases. Last evaluated: 2022-03-23. Review status: criteria provided, single submitter. Criteria: Ambry Variant Classification Scheme 2023. Collection method: clinical testing. Allele origin: germline.

NM_014712.3(SETD1A):c.190C>T (p.Arg64Cys)

Gene: SETD1A (SET domain containing 1A, histone lysine methyltransferase; plus strand). Cytogenetic location: 16p11.2.
Variant type: single nucleotide variant.
Coding change: c.190C>T on transcript NM_014712.3 (MANE Select); coding-DNA position 190, C replaced by T.
Protein change: p.Arg64Cys; replaces arginine 64 with cysteine.
Molecular consequence: missense variant.
Genome position (GRCh38, 1-based): chr16:30,959,130, C>T. VCF-style: chr16-30959130-C-T. GRCh37 (hg19) VCF-style: chr16-30970451-C-T.
Other names: short protein forms R64C.
Identifiers: ClinVar variation 2279718 (VCV002279718.3), dbSNP rs2543833716, ClinGen allele CA395646424.